The following is an entry in ClinVar:

NM_002437.5(MPV17):c.-20A>G

Gene: MPV17 (mitochondrial inner membrane protein MPV17; minus strand). Cytogenetic location: 2p23.3.
Variant type: single nucleotide variant.
Coding change: c.-20A>G on transcript NM_002437.5 (MANE Select); 20 bases upstream of the start codon, A replaced by G.
Molecular consequence: 5 prime UTR variant.
Genome position (GRCh38, 1-based): chr2:27,323,066, T>C on the plus strand (A>G on the coding strand, the complement: MPV17 is on the minus strand). VCF-style: chr2-27323066-T-C. GRCh37 (hg19) VCF-style: chr2-27545933-T-C.
Identifiers: ClinVar variation 2077917 (VCV002077917.1), dbSNP rs1679915448, ClinGen allele CA1240221777.
Genomic context (GRCh38, chr2:27,323,066, plus strand): 5'-GCTTGCGACGCTTTAAGCCAGAGACCGCAGATCACCCGCCACTCACCTGAGCGCCGAGCC[T>C]CCCTCCCACGTGACAGGCTGGCCTAGGAACTTCCGCCACAAGTCCCGCCCCTTCCTCCCA-3'

ClinVar aggregate classification (germline): Uncertain significance (1 of 4 stars; one submission).

Allele frequency attached by ClinVar (database versions not stated): TOPMed below 0.00001.

Submission:

Labcorp Genetics (formerly Invitae), Labcorp
Classification: Uncertain significance. Last evaluated: 2022-01-08. Review status: criteria provided, single submitter. Criteria: Invitae Variant Classification Sherloc (09022015). Collection method: clinical testing. Allele origin: germline.
Comment: This variant occurs in a non-coding region of the MPV17 gene. It does not change the encoded amino acid sequence of the MPV17 protein. This variant is not present in population databases (gnomAD no frequency). This variant has not been reported in the literature in individuals affected with MPV17-related conditions. Experimental studies and prediction algorithms are not available or were not evaluated, and the functional significance of this variant is currently unknown. In summary, the available evidence is currently insufficient to determine the role of this variant in disease. Therefore, it has been classified as a Variant of Uncertain Significance.